The following is an entry in ClinVar:

ClinVar aggregate classification (germline): Likely benign (1 of 4 stars; one submission).

gnomAD v4.1: 1,513 of 1,608,950 alleles (0.094%); highest among the groups gnomAD compares: Middle Eastern, 0.64%; 8 homozygotes.

Submission:

Mayo Clinic Laboratories, Mayo Clinic
Classification: Likely benign. Last evaluated: 2025-09-30. Review status: criteria provided, single submitter. Criteria: ACMG Guidelines, 2015. Collection method: clinical testing. Allele origin: germline. Observed: 1 variant allele.
Comment: BS2, BP4, BP7

NM_152795.4(HIF3A):c.57C>T (p.Ser19=)

Gene: HIF3A (hypoxia inducible factor 3 subunit alpha; plus strand). Cytogenetic location: 19q13.32.
Variant type: single nucleotide variant.
Coding change: c.57C>T on transcript NM_152795.4 (MANE Select); coding-DNA position 57, C replaced by T.
Protein change: p.Ser19=; no amino-acid change (serine 19 retained).
Molecular consequence: synonymous variant. On other transcripts: 5 prime UTR variant (2).
Genome position (GRCh38, 1-based): chr19:46,303,928, C>T. VCF-style: chr19-46303928-C-T. GRCh37 (hg19) VCF-style: chr19-46807185-C-T.
Other names: p.Ser19=; c.-5C>T (NM_022462.4, NM_152796.2); c.51C>T, p.Ser17= (NM_152794.4).
Identifiers: ClinVar variation 4684381 (VCV004684381.1).